The following is an entry in ClinVar:

NM_024408.4(NOTCH2):c.7039C>T (p.Arg2347Cys)

Gene: NOTCH2 (notch receptor 2; minus strand). Cytogenetic location: 1p12.
Variant type: single nucleotide variant.
Coding change: c.7039C>T on transcript NM_024408.4 (MANE Select); coding-DNA position 7039, C replaced by T.
Protein change: p.Arg2347Cys; replaces arginine 2347 with cysteine.
Molecular consequence: missense variant.
Genome position (GRCh38, 1-based): chr1:119,915,683, G>A on the plus strand (C>T on the coding strand, the complement: NOTCH2 is on the minus strand). VCF-style: chr1-119915683-G-A. GRCh37 (hg19) VCF-style: chr1-120458306-G-A.
Other names: c.7039C>T (NM_024408.3); short protein forms R2347C.
Identifiers: ClinVar variation 2723840 (VCV002723840.5), dbSNP rs370648780, ClinGen allele CA1039331.

ClinVar aggregate classification (germline): Uncertain significance. Review status: criteria provided, multiple submitters, no conflicts (2 of 4 stars). 3 submissions from 3 submitters: Uncertain significance (3). Last evaluated 2025-11-01.

Conditions:
Inborn genetic diseases. Identifiers: MedGen C0950123, MeSH D030342.
Hajdu-Cheney syndrome (HJCYS). Also called: Acroosteolysis dominant type; ACROOSTEOLYSIS WITH OSTEOPOROSIS AND CHANGES IN SKULL AND MANDIBLE; SERPENTINE FIBULA-POLYCYSTIC KIDNEY SYNDROME. Identifiers: Orphanet 955, MedGen C0917715, MONDO:0007057, OMIM 102500.
NOTCH2-related disorder. Also called: NOTCH2-related condition.

Allele frequency attached by ClinVar (database versions not stated): gnomAD 0.00001; ExAC 0.00002; gnomAD exomes 0.00002; TOPMed 0.00002; ESP Exome Variant Server 0.00008.
gnomAD v4.1: 32 of 1,612,860 alleles (0.002%); highest among the groups gnomAD compares: Non-Finnish European, 0.0025%; no homozygotes.

Submissions (3):

Labcorp Genetics (formerly Invitae), Labcorp
Classification: Uncertain significance for Hajdu-Cheney syndrome. Last evaluated: 2025-11-01. Review status: criteria provided, single submitter. Criteria: Invitae Variant Classification Sherloc (09022015). Collection method: clinical testing. Allele origin: germline.
Comment: This sequence change replaces arginine, which is basic and polar, with cysteine, which is neutral and slightly polar, at codon 2347 of the NOTCH2 protein (p.Arg2347Cys). This variant is present in population databases (rs370648780, gnomAD 0.0009%). This variant has not been reported in the literature in individuals affected with NOTCH2-related conditions. ClinVar contains an entry for this variant (Variation ID: 2723840). Invitae Evidence Modeling of protein sequence and biophysical properties (such as structural, functional, and spatial information, amino acid conservation, physicochemical variation, residue mobility, and thermodynamic stability) indicates that this missense variant is not expected to disrupt NOTCH2 protein function with a negative predictive value of 95%. In summary, the available evidence is currently insufficient to determine the role of this variant in disease. Therefore, it has been classified as a Variant of Uncertain Significance.

Ambry Genetics
Classification: Uncertain significance for Inborn genetic diseases. Last evaluated: 2025-09-01. Review status: criteria provided, single submitter. Criteria: Ambry Variant Classification Scheme 2023. Collection method: clinical testing. Allele origin: germline.

PreventionGenetics, part of Exact Sciences
Classification: Uncertain significance for NOTCH2-related condition. Last evaluated: 2025-08-26. Review status: criteria provided, single submitter. Criteria: ACMG Guidelines, 2015. Collection method: clinical testing. Allele origin: germline.
Comment: The NOTCH2 c.7039C>T variant is predicted to result in the amino acid substitution p.Arg2347Cys. To our knowledge, this variant has not been reported in the literature. This variant is reported in 0.00088% of alleles in individuals of European (Non-Finnish) descent in gnomAD. At this time, the clinical significance of this variant is uncertain due to the absence of conclusive functional and genetic evidence.